The following is an entry in ClinVar:

ClinVar aggregate classification (germline): Uncertain significance. Review status: criteria provided, multiple submitters, no conflicts (2 of 4 stars). 2 submissions from 2 submitters: Uncertain significance (2). Last evaluated 2025-06-18.

Conditions:
Inborn genetic diseases. Identifiers: MedGen C0950123, MeSH D030342.
Cenani-Lenz syndactyly syndrome. Also called: SYNDACTYLY, TYPE VII; CENANI SYNDACTYLISM. Identifiers: Orphanet 3258, MedGen C1859309, MONDO:0008931, OMIM 212780.
Sclerosteosis 2 (SOST2). Identifiers: Orphanet 3152, MedGen C3280402, MONDO:0013679, OMIM 614305.
Congenital myasthenic syndrome 17. Identifiers: Orphanet 590, MedGen C4225377, MONDO:0014578, OMIM 616304.

Allele frequency attached by ClinVar (database versions not stated): gnomAD 0.00001; gnomAD exomes 0.00001.
gnomAD v4.1: 10 of 1,614,088 alleles (0.00062%); highest among the groups gnomAD compares: African/African-American, 0.0027%; no homozygotes.

Submissions (2):

Ambry Genetics
Classification: Uncertain significance for Inborn genetic diseases. Last evaluated: 2025-06-18. Review status: criteria provided, single submitter. Criteria: Ambry Variant Classification Scheme 2023. Collection method: clinical testing. Allele origin: germline.

Labcorp Genetics (formerly Invitae), Labcorp
Classification: Uncertain significance for Cenani-Lenz syndactyly syndrome; Sclerosteosis 2; Congenital myasthenic syndrome 17. Last evaluated: 2022-04-21. Review status: criteria provided, single submitter. Criteria: Invitae Variant Classification Sherloc (09022015). Collection method: clinical testing. Allele origin: germline.
Comment: This sequence change replaces arginine, which is basic and polar, with tryptophan, which is neutral and slightly polar, at codon 999 of the LRP4 protein (p.Arg999Trp). The frequency data for this variant in the population databases is considered unreliable, as metrics indicate poor data quality at this position in the gnomAD database. This variant has not been reported in the literature in individuals affected with LRP4-related conditions. Algorithms developed to predict the effect of missense changes on protein structure and function (SIFT, PolyPhen-2, Align-GVGD) all suggest that this variant is likely to be disruptive. In summary, the available evidence is currently insufficient to determine the role of this variant in disease. Therefore, it has been classified as a Variant of Uncertain Significance.

NM_002334.4(LRP4):c.2995C>T (p.Arg999Trp)

Gene: LRP4 (LDL receptor related protein 4; minus strand). Cytogenetic location: 11p11.2.
Variant type: single nucleotide variant.
Coding change: c.2995C>T on transcript NM_002334.4 (MANE Select); coding-DNA position 2995, C replaced by T.
Protein change: p.Arg999Trp; replaces arginine 999 with tryptophan.
Molecular consequence: missense variant.
Genome position (GRCh38, 1-based): chr11:46,879,135, G>A on the plus strand (C>T on the coding strand, the complement: LRP4 is on the minus strand). VCF-style: chr11-46879135-G-A. GRCh37 (hg19) VCF-style: chr11-46900686-G-A.
Other names: c.2995C>T (NM_002334.3); short protein forms R999W.
Identifiers: ClinVar variation 2159069 (VCV002159069.2), dbSNP rs1404612994, ClinGen allele CA380277128.